The following is an entry in ClinVar:

ClinVar aggregate classification (germline): Uncertain significance. Review status: criteria provided, multiple submitters, no conflicts (2 of 4 stars). 2 submissions from 2 submitters: Uncertain significance (2). Last evaluated 2025-02-18.

Conditions:
Inborn genetic diseases. Identifiers: MedGen C0950123, MeSH D030342.

Allele frequency attached by ClinVar (database versions not stated): TOPMed 0.00003; gnomAD 0.00005.
gnomAD v4.1: 20 of 1,551,362 alleles (0.0013%); highest among the groups gnomAD compares: African/African-American, 0.0055%; no homozygotes.

Submissions (2):

Ambry Genetics
Classification: Uncertain significance for Inborn genetic diseases. Last evaluated: 2025-02-18. Review status: criteria provided, single submitter. Criteria: Ambry Variant Classification Scheme 2023. Collection method: clinical testing. Allele origin: germline.

Labcorp Genetics (formerly Invitae), Labcorp
Classification: Uncertain significance. Last evaluated: 2022-05-20. Review status: criteria provided, single submitter. Criteria: Invitae Variant Classification Sherloc (09022015). Collection method: clinical testing. Allele origin: germline.
Comment: This sequence change replaces isoleucine, which is neutral and non-polar, with valine, which is neutral and non-polar, at codon 899 of the UNC80 protein (p.Ile899Val). The frequency data for this variant in the population databases is considered unreliable, as metrics indicate poor data quality at this position in the gnomAD database. This variant has not been reported in the literature in individuals affected with UNC80-related conditions. Algorithms developed to predict the effect of missense changes on protein structure and function are either unavailable or do not agree on the potential impact of this missense change (SIFT: "Not Available"; PolyPhen-2: "Benign"; Align-GVGD: "Not Available"). In summary, the available evidence is currently insufficient to determine the role of this variant in disease. Therefore, it has been classified as a Variant of Uncertain Significance.

NM_001371986.1(UNC80):c.2695A>G (p.Ile899Val)

Gene: UNC80 (unc-80 homolog, NALCN channel complex subunit; plus strand). Cytogenetic location: 2q34.
Variant type: single nucleotide variant.
Coding change: c.2695A>G on transcript NM_001371986.1 (MANE Select); coding-DNA position 2695, A replaced by G.
Protein change: p.Ile899Val; replaces isoleucine 899 with valine.
Molecular consequence: missense variant.
Genome position (GRCh38, 1-based): chr2:209,831,511, A>G. VCF-style: chr2-209831511-A-G. GRCh37 (hg19) VCF-style: chr2-210696235-A-G.
Other names: c.2695A>G, p.Ile899Val (NM_032504.2); c.2680A>G, p.Ile894Val (NM_182587.4); c.2695A>G (NM_032504.1); short protein forms I894V, I899V.
Identifiers: ClinVar variation 2189531 (VCV002189531.2), dbSNP rs1016732100, ClinGen allele CA64677734.
Genomic context (GRCh38, chr2:209,831,511, plus strand): 5'-GGGTTTGGAAATAACTTCACCACAGTGGACAACAAATCCACAGCCCAAAATGTGGAAGGC[A>G]TTATCGTCAGCGCCATGTTTAAATCCCTCATCACACGCTGCGCTTCAACCACACATGAAT-3'
Protein context (NP_001358915.1, residues 889-909): NKSTAQNVEG[Ile899Val]IVSAMFKSLI